The following is an entry in ClinVar:

ClinVar aggregate classification (germline): Uncertain significance. Review status: criteria provided, multiple submitters, no conflicts (2 of 4 stars). 2 submissions from 2 submitters: Uncertain significance (2). Last evaluated 2022-02-10.

Conditions:
Combined immunodeficiency and megaloblastic anemia with or without hyperhomocysteinemia. Also called: METHYLENETETRAHYDROFOLATE DEHYDROGENASE 1 DEFICIENCY; COMBINED IMMUNODEFICIENCY AND MEGALOBLASTIC ANEMIA. Identifiers: Orphanet 658813, MedGen C4540434, MONDO:0060611, OMIM 617780.

Allele frequency attached by ClinVar (database versions not stated): gnomAD 0.00004 and 0.00011; TOPMed 0.00005; gnomAD exomes 0.00013 and 0.00022; ExAC 0.00026; 1000 Genomes Project 0.00040; 1000 Genomes Project 30x 0.00047.
gnomAD v4.1: 212 of 1,614,150 alleles (0.013%); highest among the groups gnomAD compares: South Asian, 0.2%; 2 homozygotes.

Submissions (2):

Labcorp Genetics (formerly Invitae), Labcorp
Classification: Uncertain significance. Last evaluated: 2022-02-10. Review status: criteria provided, single submitter. Criteria: Invitae Variant Classification Sherloc (09022015). Collection method: clinical testing. Allele origin: germline.
Comment: This sequence change replaces isoleucine, which is neutral and non-polar, with valine, which is neutral and non-polar, at codon 391 of the MTHFD1 protein (p.Ile391Val). This variant is present in population databases (rs527485062, gnomAD 0.2%). This variant has not been reported in the literature in individuals affected with MTHFD1-related conditions. ClinVar contains an entry for this variant (Variation ID: 998556). Algorithms developed to predict the effect of missense changes on protein structure and function (SIFT, PolyPhen-2, Align-GVGD) all suggest that this variant is likely to be tolerated. In summary, the available evidence is currently insufficient to determine the role of this variant in disease. Therefore, it has been classified as a Variant of Uncertain Significance.

Neuberg Centre For Genomic Medicine, NCGM
Classification: Uncertain significance for Combined immunodeficiency and megaloblastic anemia with or without hyperhomocysteinemia. Review status: criteria provided, single submitter. Criteria: ACMG Guidelines, 2015. Collection method: clinical testing. Allele origin: germline. Inheritance: Autosomal recessive inheritance. Affected: yes.
Comment: The missense variant c.1171A>G p.Ile391Val in the MTHFD1 gene has not been reported previously as a pathogenic variant nor as a benign variant, to our knowledge. This variant is reported with the allele frequency 0.02% in the gnomAD Exomes and novel in 1000 Genomes. This variant has been reported to the ClinVar database as Uncertain Significance. However, no details are available for independent assessment. The amino acid Isoleucine at position 391 is changed to a Valine changing protein sequence and it might alter its composition and physico- chemical properties. The amino acid change p.Ile391Val in MTHFD1 is predicted as conserved by GERP++ and PhyloP across 100 vertebrates. For these reasons, this variant has been classified as Uncertain Significance.

NM_005956.4(MTHFD1):c.1171A>G (p.Ile391Val)

Gene: MTHFD1 (methylenetetrahydrofolate dehydrogenase, cyclohydrolase and formyltetrahydrofolate synthetase 1; plus strand). Cytogenetic location: 14q23.3.
Variant type: single nucleotide variant.
Coding change: c.1171A>G on transcript NM_005956.4 (MANE Select); coding-DNA position 1171, A replaced by G.
Protein change: p.Ile391Val; replaces isoleucine 391 with valine.
Molecular consequence: missense variant.
Genome position (GRCh38, 1-based): chr14:64,427,380, A>G. VCF-style: chr14-64427380-A-G. GRCh37 (hg19) VCF-style: chr14-64894098-A-G.
Other names: c.1171A>G, p.Ile391Val (NM_001364837.1); short protein forms I391V.
Identifiers: ClinVar variation 998556 (VCV000998556.8), dbSNP rs527485062, ClinGen allele CA7226152.